The following is an entry in ClinVar:

ClinVar aggregate classification (germline): Uncertain significance (1 of 4 stars; one submission).

Conditions:
Cataract 1 multiple types. Also called: CATARACT, DUFFY-LINKED; CATARACT 1, MULTIPLE TYPES, WITH OR WITHOUT MICROCORNEA; CATARACT 1, NUCLEAR PROGRESSIVE; CATARACT 1 WITH MICROCORNEA; CATARACT 1, POSTERIOR SUBCAPSULAR, WITH MICROCORNEA; CATARACT 1, STELLATE NUCLEAR, WITH MICROCORNEA. Identifiers: Orphanet 1377, MedGen C1861828, MONDO:0007285, OMIM 116200.

Submission:

Labcorp Genetics (formerly Invitae), Labcorp
Classification: Uncertain significance for Cataract 1 multiple types. Last evaluated: 2019-06-04. Review status: criteria provided, single submitter. Criteria: Invitae Variant Classification Sherloc (09022015). Collection method: clinical testing. Allele origin: germline.
Comment: This variant disrupts the p.Asp67 amino acid residue in GJA8. Other variant(s) that disrupt this residue have been observed in individuals with GJA8-related conditions (PMID: 23508780), which suggests that this may be a clinically significant amino acid residue. In summary, the available evidence is currently insufficient to determine the role of this variant in disease. Therefore, it has been classified as a Variant of Uncertain Significance. Algorithms developed to predict the effect of missense changes on protein structure and function (SIFT, PolyPhen-2, Align-GVGD) all suggest that this variant is likely to be disruptive, but these predictions have not been confirmed by published functional studies and their clinical significance is uncertain. This variant has been observed in a family affected with congenital cataracts (Invitae). This variant is not present in population databases (ExAC no frequency). This sequence change replaces aspartic acid with glutamic acid at codon 67 of the GJA8 protein (p.Asp67Glu). The aspartic acid residue is highly conserved and there is a small physicochemical difference between aspartic acid and glutamic acid.

Literature cited by the submitters: PubMed 23508780.

NM_005267.5(GJA8):c.201C>G (p.Asp67Glu)

Gene: GJA8 (gap junction protein alpha 8; plus strand). Cytogenetic location: 1q21.2.
Variant type: single nucleotide variant.
Coding change: c.201C>G on transcript NM_005267.5 (MANE Select); coding-DNA position 201, C replaced by G.
Protein change: p.Asp67Glu; replaces aspartic acid 67 with glutamic acid.
Molecular consequence: missense variant.
Genome position (GRCh38, 1-based): chr1:147,908,156, C>G. VCF-style: chr1-147908156-C-G. GRCh37 (hg19) VCF-style: chr1-147380283-C-G.
Other names: short protein forms D67E.
Identifiers: ClinVar variation 952446 (VCV000952446.9), dbSNP rs781782991, ClinGen allele CA342223509.